The following is an entry in ClinVar:

NM_001195263.2(PDZD7):c.1102A>G (p.Thr368Ala)

Gene: PDZD7 (PDZ domain containing 7; minus strand). Cytogenetic location: 10q24.31.
Variant type: single nucleotide variant.
Coding change: c.1102A>G on transcript NM_001195263.2 (MANE Select); coding-DNA position 1102, A replaced by G.
Protein change: p.Thr368Ala; replaces threonine 368 with alanine.
Molecular consequence: missense variant.
Genome position (GRCh38, 1-based): chr10:101,019,044, T>C on the plus strand (A>G on the coding strand, the complement: PDZD7 is on the minus strand). VCF-style: chr10-101019044-T-C. GRCh37 (hg19) VCF-style: chr10-102778801-T-C.
Other names: c.1102A>G, p.Thr368Ala (NM_001351044.2, NM_024895.5); c.1102A>G (NM_001195263.1); short protein forms T368A.
Identifiers: ClinVar variation 1016786 (VCV001016786.6), dbSNP rs1284008057, ClinGen allele CA378228747.

ClinVar aggregate classification (germline): Uncertain significance. Review status: criteria provided, multiple submitters, no conflicts (2 of 4 stars). 3 submissions from 3 submitters: Uncertain significance (3). Last evaluated 2025-05-25.

Conditions:
Inborn genetic diseases. Identifiers: MedGen C0950123, MeSH D030342.

Allele frequency attached by ClinVar (database versions not stated): gnomAD 0.00001; gnomAD exomes 0.00001; TOPMed 0.00001.
gnomAD v4.1: 11 of 1,573,124 alleles (0.0007%); highest among the groups gnomAD compares: South Asian, 0.0012%; no homozygotes.

Submissions (3):

Ambry Genetics
Classification: Uncertain significance for Inborn genetic diseases. Last evaluated: 2025-05-25. Review status: criteria provided, single submitter. Criteria: Ambry Variant Classification Scheme 2023. Collection method: clinical testing. Allele origin: germline.

Labcorp Genetics (formerly Invitae), Labcorp
Classification: Uncertain significance. Last evaluated: 2022-08-23. Review status: criteria provided, single submitter. Criteria: Invitae Variant Classification Sherloc (09022015). Collection method: clinical testing. Allele origin: germline.
Comment: This sequence change replaces threonine, which is neutral and polar, with alanine, which is neutral and non-polar, at codon 368 of the PDZD7 protein (p.Thr368Ala). This variant is present in population databases (no rsID available, gnomAD 0.001%). This variant has not been reported in the literature in individuals affected with PDZD7-related conditions. ClinVar contains an entry for this variant (Variation ID: 1016786). Algorithms developed to predict the effect of missense changes on protein structure and function are either unavailable or do not agree on the potential impact of this missense change (SIFT: "Deleterious"; PolyPhen-2: "Not Available"; Align-GVGD: "Class C0"). In summary, the available evidence is currently insufficient to determine the role of this variant in disease. Therefore, it has been classified as a Variant of Uncertain Significance.

Blueprint Genetics
Classification: Uncertain significance. Last evaluated: 2021-12-23. Review status: criteria provided, single submitter. Criteria: ACMG Guidelines, 2015. Collection method: clinical testing. Allele origin: germline.